The following is an entry in ClinVar:

ClinVar aggregate classification (germline): Conflicting classifications of pathogenicity. Review status: criteria provided, conflicting classifications (1 of 4 stars). 7 submissions from 6 submitters: Uncertain significance (1); Benign (2); Likely benign (4). Last evaluated 2025-10-28.

Conditions:
Spinocerebellar ataxia, autosomal recessive, with axonal neuropathy 2 (SCAN2). Also called: Ataxia-ocular apraxia-2; ATAXIA-OCULOMOTOR APRAXIA 2; Ataxia with Oculomotor Apraxia; Ataxia with Oculomotor Apraxia Type 2. Identifiers: Orphanet 64753, MedGen C1853761, MONDO:0018996, OMIM 606002.
Inborn genetic diseases. Identifiers: MedGen C0950123, MeSH D030342.
Amyotrophic lateral sclerosis type 4 (ALS4). Also called: AMYOTROPHIC LATERAL SCLEROSIS 4, JUVENILE; NEURONOPATHY, DISTAL HEREDITARY MOTOR, WITH PYRAMIDAL FEATURES. Identifiers: Orphanet 357043, MedGen C1865409, MONDO:0011223, OMIM 602433.

Allele frequency attached by ClinVar (database versions not stated): gnomAD exomes 0.00016 and 0.00039; ExAC 0.00047; ESP Exome Variant Server 0.00146; gnomAD 0.00164 and 0.00173; TOPMed 0.00173; 1000 Genomes Project 0.00240; 1000 Genomes Project 30x 0.00265.
gnomAD v4.1: 526 of 1,613,948 alleles (0.033%); highest among the groups gnomAD compares: African/African-American, 0.59%; 4 homozygotes.

Submissions (7):

Athena Diagnostics
Classification: Benign. Last evaluated: 2025-10-28. Review status: criteria provided, single submitter. Criteria: Athena Diagnostics Criteria. Collection method: clinical testing. Allele origin: unknown.
Comment: The frequency of this variant in the general population is higher than would generally be expected for pathogenic variants in this gene.

Labcorp Genetics (formerly Invitae), Labcorp
Classification: Likely benign for Amyotrophic lateral sclerosis type 4; Spinocerebellar ataxia, autosomal recessive, with axonal neuropathy 2. Last evaluated: 2025-10-27. Review status: criteria provided, single submitter. Criteria: Invitae Variant Classification Sherloc (09022015). Collection method: clinical testing. Allele origin: germline.

Women's Health and Genetics/Laboratory Corporation of America, LabCorp
Classification: Likely benign. Last evaluated: 2025-02-25. Review status: criteria provided, single submitter. Criteria: LabCorp Variant Classification Summary - May 2015. Collection method: clinical testing. Allele origin: germline.
Comment: Variant summary: SETX c.3310C>G (p.Gln1104Glu) results in a conservative amino acid change in the encoded protein sequence. Five of five in-silico tools predict a benign effect of the variant on protein function. The variant allele was found at a frequency of 0.00033 in 1606974 control chromosomes, predominantly at a frequency of 0.0059 within the African or African-American subpopulation in the gnomAD database, including 3 homozygotes. The observed variant frequency within African or African-American control individuals in the gnomAD database is approximately 5-fold of the estimated maximal expected allele frequency for a pathogenic variant in SETX causing Spinocerebellar ataxia, autosomal recessive, with axonal neuropathy 2 phenotype (0.0012). To our knowledge, no occurrence of c.3310C>G in individuals affected with Spinocerebellar ataxia, autosomal recessive, with axonal neuropathy 2 and no experimental evidence demonstrating its impact on protein function have been reported. ClinVar contains an entry for this variant (Variation ID: 365359). Based on the evidence outlined above, the variant was classified as likely benign.

Blueprint Genetics
Classification: Uncertain significance. Last evaluated: 2024-10-22. Review status: criteria provided, single submitter. Criteria: ACMG Guidelines, 2015. Collection method: clinical testing. Allele origin: germline.

Ambry Genetics
Classification: Likely benign for Inborn genetic diseases. Last evaluated: 2020-08-03. Review status: criteria provided, single submitter. Criteria: Ambry Variant Classification Scheme 2023. Collection method: clinical testing. Allele origin: germline.

Illumina Laboratory Services, Illumina
Classification: Likely benign for Spinocerebellar ataxia, autosomal recessive, with axonal neuropathy 2. Last evaluated: 2018-01-12. Review status: criteria provided, single submitter. Criteria: ICSL Variant Classification Criteria 13 December 2019. Collection method: clinical testing. Allele origin: germline.
Comment: This variant was observed in the ICSL laboratory as part of a predisposition screen in an ostensibly healthy population. It had not been previously curated by ICSL or reported in the Human Gene Mutation Database (HGMD: prior to June 1st, 2018), and was therefore a candidate for classification through an automated scoring system. Utilizing variant allele frequency, disease prevalence and penetrance estimates, and inheritance mode, an automated score was calculated to assess if this variant is too frequent to cause the disease. Based on the score and internal cut-off values, a variant classified as likely benign is not then subjected to further curation. The score for this variant resulted in a classification of likely benign for this disease.

Illumina Laboratory Services, Illumina
Classification: Benign for Amyotrophic lateral sclerosis type 4. Last evaluated: 2018-01-12. Review status: criteria provided, single submitter. Criteria: ICSL Variant Classification Criteria 13 December 2019. Collection method: clinical testing. Allele origin: germline.
Comment: This variant was observed in the ICSL laboratory as part of a predisposition screen in an ostensibly healthy population. It had not been previously curated by ICSL or reported in the Human Gene Mutation Database (HGMD: prior to June 1st, 2018), and was therefore a candidate for classification through an automated scoring system. Utilizing variant allele frequency, disease prevalence and penetrance estimates, and inheritance mode, an automated score was calculated to assess if this variant is too frequent to cause the disease. Based on the score and internal cut-off values, a variant classified as benign is not then subjected to further curation. The score for this variant resulted in a classification of benign for this disease.

NM_015046.7(SETX):c.3310C>G (p.Gln1104Glu)

Gene: SETX (senataxin; minus strand). Cytogenetic location: 9q34.13.
Variant type: single nucleotide variant.
Coding change: c.3310C>G on transcript NM_015046.7 (MANE Select); coding-DNA position 3310, C replaced by G.
Protein change: p.Gln1104Glu; replaces glutamine 1104 with glutamic acid.
Molecular consequence: missense variant.
Genome position (GRCh38, 1-based): chr9:132,328,288, G>C on the plus strand (C>G on the coding strand, the complement: SETX is on the minus strand). VCF-style: chr9-132328288-G-C. GRCh37 (hg19) VCF-style: chr9-135203675-G-C.
Other names: c.3310C>G, p.Gln1104Glu (NM_001351527.2, NM_001351528.2); short protein forms Q1104E.
Identifiers: ClinVar variation 365359 (VCV000365359.22), dbSNP rs113831637, ClinGen allele CA5297433.